The following is an entry in ClinVar:

ClinVar aggregate classification (germline): Uncertain significance. Review status: criteria provided, multiple submitters, no conflicts (2 of 4 stars). 2 submissions from 2 submitters: Uncertain significance (2). Last evaluated 2025-06-06.

Conditions:
Inborn genetic diseases. Identifiers: MedGen C0950123, MeSH D030342.

gnomAD v4.1: 2 of 1,211,452 alleles (0.00017%); highest among the groups gnomAD compares: Non-Finnish European, 0.00022%; no homozygotes.

Submissions (2):

Ambry Genetics
Classification: Uncertain significance for Inborn genetic diseases. Last evaluated: 2025-06-06. Review status: criteria provided, single submitter. Criteria: Ambry Variant Classification Scheme 2023. Collection method: clinical testing. Allele origin: germline.

GeneDx
Classification: Uncertain significance. Last evaluated: 2024-06-13. Review status: criteria provided, single submitter. Criteria: GeneDx Variant Classification Process June 2021. Collection method: clinical testing. Allele origin: germline. Affected: yes.
Comment: Not observed at significant frequency in large population cohorts (gnomAD); In silico analysis supports that this missense variant has a deleterious effect on protein structure/function; Has not been previously published as pathogenic or benign to our knowledge

NM_004606.5(TAF1):c.3026G>A (p.Arg1009His)

Gene: TAF1 (TATA-box binding protein associated factor 1; plus strand). Cytogenetic location: Xq13.1.
Variant type: single nucleotide variant.
Coding change: c.3026G>A on transcript NM_004606.5 (MANE Select); coding-DNA position 3026, G replaced by A.
Protein change: p.Arg1009His; replaces arginine 1009 with histidine.
Molecular consequence: missense variant. On other transcripts: non-coding transcript variant (9).
Genome position (GRCh38, 1-based): chrX:71,392,969, G>A. VCF-style: chrX-71392969-G-A. GRCh37 (hg19) VCF-style: chrX-70612819-G-A.
Other names: c.3026G>A, p.Arg1009His (NM_001286074.2); c.2963G>A, p.Arg988His (NM_138923.4); c.3086G>A (NM_004606.3); short protein forms R1009H, R988H.
Identifiers: ClinVar variation 3390502 (VCV003390502.2).